The following is an entry in ClinVar:

NM_001258392.3(CLPB):c.409G>T (p.Ala137Ser)

Gene: CLPB (ClpB family mitochondrial disaggregase; minus strand). Cytogenetic location: 11q13.4.
Variant type: single nucleotide variant.
Coding change: c.409G>T on transcript NM_001258392.3 (MANE Select); coding-DNA position 409, G replaced by T.
Protein change: p.Ala137Ser; replaces alanine 137 with serine.
Molecular consequence: missense variant.
Genome position (GRCh38, 1-based): chr11:72,430,358, C>A on the plus strand (G>T on the coding strand, the complement: CLPB is on the minus strand). VCF-style: chr11-72430358-C-A. GRCh37 (hg19) VCF-style: chr11-72141402-C-A.
Other names: c.409G>T, p.Ala137Ser (NM_001258393.3, NM_030813.6); c.167G>T, p.Ser56Ile (NM_001258394.3); short protein forms A137S, S56I.
Identifiers: ClinVar variation 1384533 (VCV001384533.8), dbSNP rs1323542690, ClinGen allele CA381962717.

ClinVar aggregate classification (germline): Uncertain significance (1 of 4 stars; one submission).

Conditions:
3-methylglutaconic aciduria, type VIIB (MGCA7B). Also called: CLPB Deficiency; 3-methylglutaconic aciduria with cataracts, neurologic involvement and neutropenia; 3-methylglutaconic aciduria, type VII, with cataracts, neurologic involvement and neutropenia. Identifiers: Orphanet 445038, MedGen C5676893, MONDO:0014561, OMIM 616271.

Allele frequency attached by ClinVar (database versions not stated): gnomAD exomes below 0.00001; gnomAD 0.00001; TOPMed 0.00001.
gnomAD v4.1: 3 of 1,612,986 alleles (0.00019%); highest among the groups gnomAD compares: Non-Finnish European, 0.00025%; no homozygotes.

Submission:

Labcorp Genetics (formerly Invitae), Labcorp
Classification: Uncertain significance for 3-methylglutaconic aciduria, type VIIB. Last evaluated: 2022-12-06. Review status: criteria provided, single submitter. Criteria: Invitae Variant Classification Sherloc (09022015). Collection method: clinical testing. Allele origin: germline.
Comment: In summary, the available evidence is currently insufficient to determine the role of this variant in disease. Therefore, it has been classified as a Variant of Uncertain Significance. Algorithms developed to predict the effect of missense changes on protein structure and function are either unavailable or do not agree on the potential impact of this missense change (SIFT: "Deleterious"; PolyPhen-2: "Benign"; Align-GVGD: "Class C0"). ClinVar contains an entry for this variant (Variation ID: 1384533). This variant has not been reported in the literature in individuals affected with CLPB-related conditions. This variant is not present in population databases (gnomAD no frequency). This sequence change replaces alanine, which is neutral and non-polar, with serine, which is neutral and polar, at codon 137 of the CLPB protein (p.Ala137Ser).